The following is an entry in ClinVar:

ClinVar aggregate classification (germline): Uncertain significance. Review status: criteria provided, multiple submitters, no conflicts (2 of 4 stars). 2 submissions from 2 submitters: Uncertain significance (2). Last evaluated 2024-11-06.

Conditions:
Hereditary cancer-predisposing syndrome. Also called: Tumor predisposition; Hereditary Cancer Syndrome; Hereditary neoplastic syndrome; Neoplastic Syndromes, Hereditary. Identifiers: Orphanet 140162, MedGen C0027672, MeSH D009386, MONDO:0015356.

Submissions (2):

GeneDx
Classification: Uncertain significance. Last evaluated: 2024-11-06. Review status: criteria provided, single submitter. Criteria: GeneDx Variant Classification Process June 2021. Collection method: clinical testing. Allele origin: germline. Affected: yes.
Comment: Not observed at significant frequency in large population cohorts (gnomAD); In silico analysis supports that this missense variant has a deleterious effect on protein structure/function; Has not been previously published as pathogenic or benign to our knowledge

Ambry Genetics
Classification: Uncertain significance for Hereditary cancer-predisposing syndrome. Last evaluated: 2023-06-18. Review status: criteria provided, single submitter. Criteria: Ambry Variant Classification Scheme 2023. Collection method: clinical testing. Allele origin: germline.
Comment: The p.C1364G variant (also known as c.4090T>G), located in coding exon 21 of the BLM gene, results from a T to G substitution at nucleotide position 4090. The cysteine at codon 1364 is replaced by glycine, an amino acid with highly dissimilar properties. This amino acid position is conserved. In addition, this alteration is predicted to be tolerated by in silico analysis. Since supporting evidence is limited at this time, the clinical significance of this alteration remains unclear.

NM_000057.4(BLM):c.4090T>G (p.Cys1364Gly)

Gene: BLM (BLM RecQ like helicase; plus strand). Cytogenetic location: 15q26.1.
Variant type: single nucleotide variant.
Coding change: c.4090T>G on transcript NM_000057.4 (MANE Select); coding-DNA position 4090, T replaced by G.
Protein change: p.Cys1364Gly; replaces cysteine 1364 with glycine.
Molecular consequence: missense variant.
Genome position (GRCh38, 1-based): chr15:90,815,115, T>G. VCF-style: chr15-90815115-T-G. GRCh37 (hg19) VCF-style: chr15-91358345-T-G.
Other names: c.4090T>G, p.Cys1364Gly (NM_001287246.2); c.3697T>G, p.Cys1233Gly (NM_001287247.2); c.2965T>G, p.Cys989Gly (NM_001287248.2); short protein forms C1233G, C1364G, C989G.
Identifiers: ClinVar variation 2624834 (VCV002624834.3), dbSNP rs1596276396, ClinGen allele CA393852066.